The following is an entry in ClinVar:

ClinVar aggregate classification (germline): Uncertain significance. Review status: criteria provided, multiple submitters, no conflicts (2 of 4 stars). 3 submissions from 3 submitters: Uncertain significance (3). Last evaluated 2024-11-24.

Conditions:
Cardiomyopathy (CMYO). Also called: Cardiomyopathies. Identifiers: Orphanet 167848, MedGen C0878544, MONDO:0004994, HP:0001638. Inheritance: Various modes of inheritance.
Cardiovascular phenotype. Identifiers: MedGen CN230736.
Dilated cardiomyopathy 1O (CMD1O). Also called: CARDIOMYOPATHY, DILATED, WITH VENTRICULAR TACHYCARDIA. Identifiers: Orphanet 154, MedGen C1837839, MONDO:0012062, OMIM 608569.

Allele frequency attached by ClinVar (database versions not stated): ExAC 0.00001; gnomAD 0.00001; TOPMed 0.00001; gnomAD exomes 0.00002 and 0.00003; ESP Exome Variant Server 0.00008.
gnomAD v4.1: 48 of 1,611,954 alleles (0.003%); highest among the groups gnomAD compares: Non-Finnish European, 0.0036%; no homozygotes.

Submissions (3):

Labcorp Genetics (formerly Invitae), Labcorp
Classification: Uncertain significance for Dilated cardiomyopathy 1O. Last evaluated: 2024-11-24. Review status: criteria provided, single submitter. Criteria: Invitae Variant Classification Sherloc (09022015). Collection method: clinical testing. Allele origin: germline.
Comment: This sequence change replaces methionine, which is neutral and non-polar, with threonine, which is neutral and polar, at codon 255 of the ABCC9 protein (p.Met255Thr). This variant is present in population databases (rs150627958, gnomAD 0.004%). This variant has not been reported in the literature in individuals affected with ABCC9-related conditions. ClinVar contains an entry for this variant (Variation ID: 1329317). Invitae Evidence Modeling of protein sequence and biophysical properties (such as structural, functional, and spatial information, amino acid conservation, physicochemical variation, residue mobility, and thermodynamic stability) has been performed for this missense variant. However, the output from this modeling did not meet the statistical confidence thresholds required to predict the impact of this variant on ABCC9 protein function. In summary, the available evidence is currently insufficient to determine the role of this variant in disease. Therefore, it has been classified as a Variant of Uncertain Significance.

Ambry Genetics
Classification: Uncertain significance for Cardiovascular phenotype. Last evaluated: 2024-01-08. Review status: criteria provided, single submitter. Criteria: Ambry Variant Classification Scheme 2023. Collection method: clinical testing. Allele origin: germline.
Comment: The p.M255T variant (also known as c.764T>C), located in coding exon 5 of the ABCC9 gene, results from a T to C substitution at nucleotide position 764. The methionine at codon 255 is replaced by threonine, an amino acid with similar properties. This amino acid position is highly conserved in available vertebrate species. In addition, this alteration is predicted to be deleterious by in silico analysis. Since supporting evidence is limited at this time, the clinical significance of this alteration remains unclear.

CHEO Genetics Diagnostic Laboratory, Children's Hospital of Eastern Ontario
Classification: Uncertain significance for Cardiomyopathy. Last evaluated: 2019-05-28. Review status: criteria provided, single submitter. Criteria: ACMG Guidelines, 2015. Collection method: clinical testing. Allele origin: germline.

NM_020297.4(ABCC9):c.764T>C (p.Met255Thr)

Gene: ABCC9 (ATP binding cassette subfamily C member 9; minus strand). Cytogenetic location: 12p12.1.
Variant type: single nucleotide variant.
Coding change: c.764T>C on transcript NM_020297.4 (MANE Select); coding-DNA position 764, T replaced by C.
Protein change: p.Met255Thr; replaces methionine 255 with threonine.
Molecular consequence: missense variant. On other transcripts: intron variant (1).
Genome position (GRCh38, 1-based): chr12:21,915,720, A>G on the plus strand (T>C on the coding strand, the complement: ABCC9 is on the minus strand). VCF-style: chr12-21915720-A-G. GRCh37 (hg19) VCF-style: chr12-22068654-A-G.
Other names: c.764T>C, p.Met255Thr (NM_001377273.1, NM_005691.4); c.-48-2654T>C (NM_001377274.1); c.764T>C (NM_005691.2); short protein forms M255T.
Identifiers: ClinVar variation 1329317 (VCV001329317.7), dbSNP rs150627958, ClinGen allele CA6481822.